The following is an entry in ClinVar:

ClinVar aggregate classification (germline): Pathogenic (1 of 4 stars; one submission).

Submission:

Labcorp Genetics (formerly Invitae), Labcorp
Classification: Pathogenic. Last evaluated: 2023-10-15. Review status: criteria provided, single submitter. Criteria: Invitae Variant Classification Sherloc (09022015). Collection method: clinical testing. Allele origin: germline.
Comment: This sequence change creates a premature translational stop signal (p.Asn2372Profs*17) in the VPS13A gene. It is expected to result in an absent or disrupted protein product. Loss-of-function variants in VPS13A are known to be pathogenic (PMID: 12404112, 21598378). This variant is not present in population databases (gnomAD no frequency). This variant has not been reported in the literature in individuals affected with VPS13A-related conditions. For these reasons, this variant has been classified as Pathogenic.

Literature cited by the submitters: PubMed 12404112; PubMed 21598378.

NM_033305.3(VPS13A):c.7096_7112dup (p.Asn2372fs)

Gene: VPS13A (vacuolar protein sorting 13 homolog A; plus strand). Cytogenetic location: 9q21.2.
Variant type: Duplication.
Coding change: c.7096_7112dup on transcript NM_033305.3 (MANE Select); coding-DNA positions 7096 to 7112, 17 bases duplicated (CCCAAAAGGATATATTT).
Protein change: p.Asn2372fs; shifts the reading frame from asparagine 2372.
Molecular consequence: frameshift variant.
Genome position (GRCh38, 1-based): chr9:77,344,222-77,344,238, CCCAAAAGGATATATTT duplicated; duplicating any 17 consecutive bases within chr9:77,344,221-77,344,238 gives the same sequence; the c. name uses the placement nearest the transcript's 3' end. VCF-style (leftmost placement, unchanged base first): chr9-77344220-C-CTCCCAAAAGGATATATT. GRCh37 (hg19) VCF-style: chr9-79959136-C-CTCCCAAAAGGATATATT.
Other names: c.6979_6995dup, p.Asn2333fs (NM_001018037.2); c.7096_7112dup, p.Asn2372fs (NM_001018038.3, NM_015186.4); short protein forms N2372fs, N2333fs.
Identifiers: ClinVar variation 2768886 (VCV002768886.3), dbSNP rs2538095264, ClinGen allele CA2697557802.